The following is an entry in ClinVar:

ClinVar aggregate classification (germline): Likely pathogenic (1 of 4 stars; one submission).

Conditions:
alpha Thalassemia. Also called: Alpha thalassemia spectrum. Identifiers: Orphanet 846, MedGen C0002312, MONDO:0011399, OMIM 604131.

Submission:

Natera, Inc.
Classification: Likely pathogenic for Alpha thalassemia. Last evaluated: 2025-09-30. Review status: criteria provided, single submitter. Criteria: Natera Variant Classification Schema (03/2026). Collection method: clinical testing. Allele origin: germline.
Comment: The c.96-3_100del variant in HBA1 is a frameshift variant predicted to shift the reading frame and introduce a stop codon. This variant is expected to result in nonsense mediated decay, truncation, or a dysfunctional protein product. This variant is rare in the general population with a frequency below the threshold expected for the associated phenotype(s). Given the available evidence, this variant is classified as Likely Pathogenic.

NM_000558.5(HBA1):c.96-3_100del

Genes: HBA1 (hemoglobin subunit alpha 1; plus strand), LOC106804613 (hemoglobin subunit alpha 1 recombination region; plus strand). Cytogenetic location: 16p13.3.
Variant type: Deletion.
Coding change: c.96-3_100del on transcript NM_000558.5 (MANE Select); 3 bases into the intron before coding-DNA position 96 through coding-DNA position 100, 8 bases deleted (CAGGATGT; older notation c.96-3_100delCAGGATGT).
Molecular consequence: splice acceptor variant.
Genome position (GRCh38, 1-based): chr16:176,926-176,933, CAGGATGT deleted. VCF-style (leftmost placement, unchanged base first): chr16-176925-GCAGGATGT-G. GRCh37 (hg19) VCF-style: chr16-226924-GCAGGATGT-G.
Identifiers: ClinVar variation 4814426 (VCV004814426.1).
Genomic context (GRCh38, chr16:176,925, plus strand): 5'-GGCCACCCTCAACCGTCCTGGCCCCGGACCCAAACCCCACCCCTCACTCTGCTTCTCCCC[GCAGGATGT>G]TCCTGTCCTTCCCCACCACCAAGACCTACTTCCCGCACTTCGACCTGAGCCACGGCTCTG-3'